The following is an entry in ClinVar:

NM_002691.4(POLD1):c.2321T>A (p.Leu774Gln)

Gene: POLD1 (DNA polymerase delta 1, catalytic subunit; plus strand). Cytogenetic location: 19q13.33.
Variant type: single nucleotide variant.
Coding change: c.2321T>A on transcript NM_002691.4 (MANE Select); coding-DNA position 2321, T replaced by A.
Protein change: p.Leu774Gln; replaces leucine 774 with glutamine.
Molecular consequence: missense variant. On other transcripts: non-coding transcript variant (1).
Genome position (GRCh38, 1-based): chr19:50,413,812, T>A. VCF-style: chr19-50413812-T-A. GRCh37 (hg19) VCF-style: chr19-50917069-T-A.
Other names: c.2321T>A, p.Leu774Gln (NM_001256849.1, NM_001438212.1, NM_001438213.1); c.2399T>A, p.Leu800Gln (NM_001308632.1); c.2249T>A, p.Leu750Gln (NM_001438210.1, NM_001438211.1); short protein forms L800Q, L750Q, L774Q.
Identifiers: ClinVar variation 4141005 (VCV004141005.1).

ClinVar aggregate classification (germline): Uncertain significance (1 of 4 stars; one submission).

Conditions:
Hereditary cancer-predisposing syndrome. Also called: Hereditary neoplastic syndrome; Neoplastic Syndromes, Hereditary; Tumor predisposition; Hereditary Cancer Syndrome. Identifiers: Orphanet 140162, MedGen C0027672, MeSH D009386, MONDO:0015356.

Submission:

Ambry Genetics
Classification: Uncertain significance for Hereditary cancer-predisposing syndrome. Last evaluated: 2025-07-18. Review status: criteria provided, single submitter. Criteria: Ambry Variant Classification Scheme 2023. Collection method: clinical testing. Allele origin: germline.
Comment: The p.L774Q variant (also known as c.2321T>A), located in coding exon 18 of the POLD1 gene, results from a T to A substitution at nucleotide position 2321. The leucine at codon 774 is replaced by glutamine, an amino acid with dissimilar properties. This amino acid position is conserved. In addition, this alteration is predicted to be tolerated by in silico analysis. Based on the available evidence, the clinical significance of this variant remains unclear.